The following is an entry in ClinVar:

NM_001201427.2(DAAM2):c.1850G>A (p.Arg617His)

Gene: DAAM2 (dishevelled associated activator of morphogenesis 2; plus strand). Cytogenetic location: 6p21.2.
Variant type: single nucleotide variant.
Coding change: c.1850G>A on transcript NM_001201427.2 (MANE Select); coding-DNA position 1850, G replaced by A.
Protein change: p.Arg617His; replaces arginine 617 with histidine.
Molecular consequence: missense variant.
Genome position (GRCh38, 1-based): chr6:39,883,966, G>A. VCF-style: chr6-39883966-G-A. GRCh37 (hg19) VCF-style: chr6-39851742-G-A.
Other names: c.1850G>A, p.Arg617His (NM_015345.4); short protein forms R617H.
Identifiers: ClinVar variation 3050309 (VCV003050309.2), dbSNP rs34699846, ClinGen allele CA3795102.

ClinVar aggregate classification (germline): Benign (0 of 4 stars; one submission).

Conditions:
DAAM2-related disorder. Also called: DAAM2-related condition.

Allele frequency attached by ClinVar (database versions not stated): gnomAD exomes 0.00048; ExAC 0.00157; gnomAD 0.00430; ESP Exome Variant Server 0.00482; TOPMed 0.00485; 1000 Genomes Project 0.00499; 1000 Genomes Project 30x 0.00531.
gnomAD v4.1: 1,387 of 1,610,488 alleles (0.086%); highest among the groups gnomAD compares: African/African-American, 1.5%; 13 homozygotes.

Submission:

PreventionGenetics, part of Exact Sciences
Classification: Benign for DAAM2-related condition. Last evaluated: 2019-03-25. Review status: no assertion criteria provided. Collection method: clinical testing. Allele origin: germline.
Comment: This variant is classified as benign based on ACMG/AMP sequence variant interpretation guidelines (Richards et al. 2015 PMID: 25741868, with internal and published modifications).